The following is an entry in ClinVar:

NM_004369.4(COL6A3):c.6188A>G (p.Tyr2063Cys)

Gene: COL6A3 (collagen type VI alpha 3 chain; minus strand). Cytogenetic location: 2q37.3.
Variant type: single nucleotide variant.
Coding change: c.6188A>G on transcript NM_004369.4 (MANE Select); coding-DNA position 6188, A replaced by G.
Protein change: p.Tyr2063Cys; replaces tyrosine 2063 with cysteine.
Molecular consequence: missense variant.
Genome position (GRCh38, 1-based): chr2:237,361,143, T>C on the plus strand (A>G on the coding strand, the complement: COL6A3 is on the minus strand). VCF-style: chr2-237361143-T-C. GRCh37 (hg19) VCF-style: chr2-238269786-T-C.
Other names: c.4367A>G, p.Tyr1456Cys (NM_057166.5); c.5570A>G, p.Tyr1857Cys (NM_057167.4); short protein forms Y1456C, Y2063C, Y1857C.
Identifiers: ClinVar variation 1510897 (VCV001510897.8), dbSNP rs2106343479, ClinGen allele CA351217439.

ClinVar aggregate classification (germline): Pathogenic (1 of 4 stars; one submission).

Conditions:
Bethlem myopathy 1A. Also called: MYOPATHY, BENIGN CONGENITAL, WITH CONTRACTURES; Bethlem myopathy 1; Bethlem Muscular Dystrophy. Identifiers: Orphanet 610, MedGen CN029274, MONDO:0024530, OMIM 158810.

Submission:

Labcorp Genetics (formerly Invitae), Labcorp
Classification: Pathogenic for Bethlem myopathy 1A. Last evaluated: 2024-07-22. Review status: criteria provided, single submitter. Criteria: Invitae Variant Classification Sherloc (09022015). Collection method: clinical testing. Allele origin: germline.
Comment: This sequence change replaces tyrosine, which is neutral and polar, with cysteine, which is neutral and slightly polar, at codon 2063 of the COL6A3 protein (p.Tyr2063Cys). This variant is not present in population databases (gnomAD no frequency). This missense change has been observed in individual(s) with clinical features of COL6A3-related conditions (PMID: 29406609; Invitae). In at least one individual the variant was observed to be de novo. ClinVar contains an entry for this variant (Variation ID: 1510897). Advanced modeling of protein sequence and biophysical properties (such as structural, functional, and spatial information, amino acid conservation, physicochemical variation, residue mobility, and thermodynamic stability) has been performed at Invitae for this missense variant, however the output from this modeling did not meet the statistical confidence thresholds required to predict the impact of this variant on COL6A3 protein function. For these reasons, this variant has been classified as Pathogenic.

Literature cited by the submitters: PubMed 29406609.